The following is an entry in ClinVar:

ClinVar aggregate classification (germline): Uncertain significance. Review status: criteria provided, multiple submitters, no conflicts (2 of 4 stars). 2 submissions from 2 submitters: Uncertain significance (2). Last evaluated 2025-04-03.

Conditions:
Inborn genetic diseases. Identifiers: MedGen C0950123, MeSH D030342.

Allele frequency attached by ClinVar (database versions not stated): gnomAD 0.00001; TOPMed 0.00001.
gnomAD v4.1: 1 of 1,611,038 alleles (0.000062%); highest among the groups gnomAD compares: African/African-American, 0.0013%; no homozygotes.

Submissions (2):

Ambry Genetics
Classification: Uncertain significance for Inborn genetic diseases. Last evaluated: 2025-04-03. Review status: criteria provided, single submitter. Criteria: Ambry Variant Classification Scheme 2023. Collection method: clinical testing. Allele origin: germline.

GeneDx
Classification: Uncertain significance. Last evaluated: 2022-01-05. Review status: criteria provided, single submitter. Criteria: GeneDx Variant Classification Process June 2021. Collection method: clinical testing. Allele origin: germline. Affected: yes.
Comment: Variants in candidate genes are classified as variants of uncertain significance in accordance with ACMG guidelines (Richards et al., 2015); In silico analysis supports that this missense variant has a deleterious effect on protein structure/function; Has not been previously published as pathogenic or benign to our knowledge

NM_014633.5(CTR9):c.524A>G (p.Asn175Ser)

Gene: CTR9 (CTR9 component of Paf1/RNA polymerase II complex; plus strand). Cytogenetic location: 11p15.4.
Variant type: single nucleotide variant.
Coding change: c.524A>G on transcript NM_014633.5 (MANE Select); coding-DNA position 524, A replaced by G.
Protein change: p.Asn175Ser; replaces asparagine 175 with serine.
Molecular consequence: missense variant.
Genome position (GRCh38, 1-based): chr11:10,756,770, A>G. VCF-style: chr11-10756770-A-G. GRCh37 (hg19) VCF-style: chr11-10778317-A-G.
Other names: c.524A>G, p.Asn175Ser (NM_001346279.2); c.524A>G (NM_014633.3); short protein forms N175S.
Identifiers: ClinVar variation 1695489 (VCV001695489.3), dbSNP rs1449582408, ClinGen allele CA379661280.